The following is an entry in ClinVar:

ClinVar aggregate classification (germline): Uncertain significance (1 of 4 stars; one submission).

Allele frequency attached by ClinVar (database versions not stated): gnomAD exomes below 0.00001; ExAC 0.00001; gnomAD 0.00001.
gnomAD v4.1: 2 of 1,611,044 alleles (0.00012%); highest among the groups gnomAD compares: Non-Finnish European, 0.00017%; no homozygotes.

Submission:

Labcorp Genetics (formerly Invitae), Labcorp
Classification: Uncertain significance. Last evaluated: 2023-02-03. Review status: criteria provided, single submitter. Criteria: Invitae Variant Classification Sherloc (09022015). Collection method: clinical testing. Allele origin: germline.
Comment: In summary, the available evidence is currently insufficient to determine the role of this variant in disease. Therefore, it has been classified as a Variant of Uncertain Significance. Algorithms developed to predict the effect of missense changes on protein structure and function (SIFT, PolyPhen-2, Align-GVGD) all suggest that this variant is likely to be tolerated. This variant has not been reported in the literature in individuals affected with PPP3CA-related conditions. The frequency data for this variant in the population databases is considered unreliable, as metrics indicate poor data quality at this position in the gnomAD database. This sequence change replaces glutamic acid, which is acidic and polar, with lysine, which is basic and polar, at codon 3 of the PPP3CA protein (p.Glu3Lys).

NM_000944.5(PPP3CA):c.7G>A (p.Glu3Lys)

Gene: PPP3CA (protein phosphatase 3 catalytic subunit alpha; minus strand). Cytogenetic location: 4q24.
Variant type: single nucleotide variant.
Coding change: c.7G>A on transcript NM_000944.5 (MANE Select); coding-DNA position 7, G replaced by A.
Protein change: p.Glu3Lys; replaces glutamic acid 3 with lysine.
Molecular consequence: missense variant.
Genome position (GRCh38, 1-based): chr4:101,346,790, C>T on the plus strand (G>A on the coding strand, the complement: PPP3CA is on the minus strand). VCF-style: chr4-101346790-C-T. GRCh37 (hg19) VCF-style: chr4-102267947-C-T.
Other names: c.7G>A, p.Glu3Lys (NM_001130691.2, NM_001130692.2); short protein forms E3K.
Identifiers: ClinVar variation 2829956 (VCV002829956.3), dbSNP rs774503546, ClinGen allele CA3024651.